The following is an entry in ClinVar:

NM_006766.5(KAT6A):c.96A>G (p.Ile32Met)

Gene: KAT6A (lysine acetyltransferase 6A; minus strand). Cytogenetic location: 8p11.21.
Variant type: single nucleotide variant.
Coding change: c.96A>G on transcript NM_006766.5 (MANE Select); coding-DNA position 96, A replaced by G.
Protein change: p.Ile32Met; replaces isoleucine 32 with methionine.
Molecular consequence: missense variant.
Genome position (GRCh38, 1-based): chr8:42,048,882, T>C on the plus strand (A>G on the coding strand, the complement: KAT6A is on the minus strand). VCF-style: chr8-42048882-T-C. GRCh37 (hg19) VCF-style: chr8-41906400-T-C.
Other names: c.96A>G, p.Ile32Met (NM_001305878.2); short protein forms I32M.
Identifiers: ClinVar variation 937075 (VCV000937075.7), dbSNP rs1802455492, ClinGen allele CA371175426.

ClinVar aggregate classification (germline): Uncertain significance. Review status: criteria provided, multiple submitters, no conflicts (2 of 4 stars). 2 submissions from 2 submitters: Uncertain significance (2). Last evaluated 2022-07-25.

Conditions:
Autosomal dominant intellectual disability-craniofacial anomalies-cardiac defects syndrome (ARTHS). Also called: KAT6A syndrome; Mental retardation, autosomal dominant 32; Arboleda-Tham syndrome. Identifiers: Orphanet 457193, MedGen C4225396, MONDO:0014558, OMIM 616268.

Submissions (2):

Labcorp Genetics (formerly Invitae), Labcorp
Classification: Uncertain significance. Last evaluated: 2022-07-25. Review status: criteria provided, single submitter. Criteria: Invitae Variant Classification Sherloc (09022015). Collection method: clinical testing. Allele origin: germline.
Comment: In summary, the available evidence is currently insufficient to determine the role of this variant in disease. Therefore, it has been classified as a Variant of Uncertain Significance. Algorithms developed to predict the effect of missense changes on protein structure and function are either unavailable or do not agree on the potential impact of this missense change (SIFT: "Deleterious"; PolyPhen-2: "Probably Damaging"; Align-GVGD: "Class C0"). ClinVar contains an entry for this variant (Variation ID: 937075). This variant has not been reported in the literature in individuals affected with KAT6A-related conditions. This variant is not present in population databases (gnomAD no frequency). This sequence change replaces isoleucine, which is neutral and non-polar, with methionine, which is neutral and non-polar, at codon 32 of the KAT6A protein (p.Ile32Met).

Juno Genomics, Hangzhou Juno Genomics, Inc
Classification: Uncertain significance for Autosomal dominant intellectual disability-craniofacial anomalies-cardiac defects syndrome. Review status: criteria provided, single submitter. Criteria: ACMG Guidelines, 2015. Collection method: clinical testing. Allele origin: germline. Affected: yes.
Comment: Absent from controls (or at extremely low frequency if recessive) in Genome Aggregation Database.;Multiple lines of computational evidence support a deleterious effect on the gene or gene product.;Missense variant in a gene that has a low rate of benign missense variation.